The following is an entry in ClinVar:

NM_017635.5(KMT5B):c.1683G>T (p.Leu561Phe)

Gene: KMT5B (lysine methyltransferase 5B; minus strand). Cytogenetic location: 11q13.2.
Variant type: single nucleotide variant.
Coding change: c.1683G>T on transcript NM_017635.5 (MANE Select); coding-DNA position 1683, G replaced by T.
Protein change: p.Leu561Phe; replaces leucine 561 with phenylalanine.
Molecular consequence: missense variant.
Genome position (GRCh38, 1-based): chr11:68,158,663, C>A on the plus strand (G>T on the coding strand, the complement: KMT5B is on the minus strand). VCF-style: chr11-68158663-C-A. GRCh37 (hg19) VCF-style: chr11-67926130-C-A.
Other names: c.1167G>T, p.Leu389Phe (NM_001300907.1, NM_001369428.1, NM_001369429.1 and 4 more transcripts); c.963G>T, p.Leu321Phe (NM_001300908.2); c.1683G>T, p.Leu561Phe (NM_001369426.1); short protein forms L321F, L561F, L389F.
Identifiers: ClinVar variation 2350121 (VCV002350121.27), dbSNP rs371880484, ClinGen allele CA6148140.

ClinVar aggregate classification (germline): Conflicting classifications of pathogenicity. Review status: criteria provided, conflicting classifications (1 of 4 stars). 3 submissions from 3 submitters: Uncertain significance (1); Likely benign (2). Last evaluated 2026-06-01.

Conditions:
Inborn genetic diseases. Identifiers: MedGen C0950123, MeSH D030342.

Allele frequency attached by ClinVar (database versions not stated): gnomAD 0.00003; ExAC 0.00004; TOPMed 0.00006; ESP Exome Variant Server 0.00015.
gnomAD v4.1: 73 of 1,613,996 alleles (0.0045%); highest among the groups gnomAD compares: Middle Eastern, 0.082%; no homozygotes.

Submissions (3):

CeGaT Center for Human Genetics Tuebingen
Classification: Likely benign. Last evaluated: 2026-06-01. Review status: criteria provided, single submitter. Criteria: CeGaT Center For Human Genetics Tuebingen Variant Classification Criteria Version 2. Collection method: clinical testing. Allele origin: germline. Affected: yes. Observed: 4 variant alleles.
Comment: KMT5B: BP4, BS2

Blueprint Genetics
Classification: Likely benign. Last evaluated: 2024-11-01. Review status: criteria provided, single submitter. Criteria: ACMG Guidelines, 2015. Collection method: clinical testing. Allele origin: germline.

Ambry Genetics
Classification: Uncertain significance for Inborn genetic diseases. Last evaluated: 2021-09-16. Review status: criteria provided, single submitter. Criteria: Ambry Variant Classification Scheme 2023. Collection method: clinical testing. Allele origin: germline.